The following is an entry in ClinVar:

ClinVar aggregate classification (germline): Uncertain significance. Review status: criteria provided, multiple submitters, no conflicts (2 of 4 stars). 2 submissions from 2 submitters: Uncertain significance (2). Last evaluated 2025-02-01.

Conditions:
Primary dilated cardiomyopathy (DCM). Also called: Dilated Cardiomyopathy. Identifiers: Orphanet 217604, MedGen C0007193, MeSH D002311, MONDO:0005021, HP:0001644. Inheritance: Various modes of inheritance.
Hypertrophic cardiomyopathy. Also called: HYPERTROPHIC MYOCARDIOPATHY. Identifiers: Orphanet 217569, MedGen C0007194, MeSH D002312, MONDO:0005045, HP:0001639.

Allele frequency attached by ClinVar (database versions not stated): gnomAD 0.00001; TOPMed 0.00002.
gnomAD v4.1: 2 of 1,614,124 alleles (0.00012%); highest among the groups gnomAD compares: African/African-American, 0.0027%; no homozygotes.

Submissions (2):

Ambry Genetics
Classification: Uncertain significance. Last evaluated: 2025-02-01. Review status: criteria provided, single submitter. Criteria: Ambry Variant Classification Scheme 2023. Collection method: clinical testing. Allele origin: germline.
Comment: The p.Y355H variant (also known as c.1063T>C), located in coding exon 8 of the PDLIM3 gene, results from a T to C substitution at nucleotide position 1063. The tyrosine at codon 355 is replaced by histidine, an amino acid with similar properties. This amino acid position is conserved. In addition, this alteration is predicted to be tolerated by in silico analysis. Based on the available evidence, the clinical significance of this variant remains unclear.

Labcorp Genetics (formerly Invitae), Labcorp
Classification: Uncertain significance for Hypertrophic cardiomyopathy; Primary dilated cardiomyopathy. Last evaluated: 2022-09-21. Review status: criteria provided, single submitter. Criteria: Invitae Variant Classification Sherloc (09022015). Collection method: clinical testing. Allele origin: germline.
Comment: This sequence change replaces tyrosine, which is neutral and polar, with histidine, which is basic and polar, at codon 355 of the PDLIM3 protein (p.Tyr355His). In summary, the available evidence is currently insufficient to determine the role of this variant in disease. Therefore, it has been classified as a Variant of Uncertain Significance. Algorithms developed to predict the effect of missense changes on protein structure and function (SIFT, PolyPhen-2, Align-GVGD) all suggest that this variant is likely to be disruptive. This variant has not been reported in the literature in individuals affected with PDLIM3-related conditions. This variant is not present in population databases (gnomAD no frequency).

NM_014476.6(PDLIM3):c.1063T>C (p.Tyr355His)

Gene: PDLIM3 (PDZ and LIM domain 3; minus strand). Cytogenetic location: 4q35.1.
Variant type: single nucleotide variant.
Coding change: c.1063T>C on transcript NM_014476.6 (MANE Select); coding-DNA position 1063, T replaced by C.
Protein change: p.Tyr355His; replaces tyrosine 355 with histidine.
Molecular consequence: missense variant. On other transcripts: non-coding transcript variant (1).
Genome position (GRCh38, 1-based): chr4:185,502,326, A>G on the plus strand (T>C on the coding strand, the complement: PDLIM3 is on the minus strand). VCF-style: chr4-185502326-A-G. GRCh37 (hg19) VCF-style: chr4-186423480-A-G.
Other names: c.1063T>C (NM_014476.4); c.919T>C, p.Tyr307His (NM_001114107.5); c.799T>C, p.Tyr267His (NM_001257962.2); c.562T>C, p.Tyr188His (NM_001257963.2); short protein forms Y188H, Y307H, Y267H, Y355H.
Identifiers: ClinVar variation 2183523 (VCV002183523.5), dbSNP rs1173227868, ClinGen allele CA358919212.